The following is an entry in ClinVar:

ClinVar aggregate classification (germline): Benign/Likely benign. Review status: criteria provided, multiple submitters, no conflicts (2 of 4 stars). 6 submissions from 6 submitters: Benign (2); Likely benign (3). 1 of the submissions does not count toward it. Last evaluated 2026-01-11.

Conditions:
Pfeiffer syndrome (ACS5). Also called: ACS V. Identifiers: Orphanet 710, MedGen C0220658, MONDO:0007043, OMIM 101600.
Trigonocephaly 1 (TRIGNO1). Identifiers: Orphanet 3366, MedGen C0432122, MONDO:0008603, OMIM 190440.
Hypogonadotropic hypogonadism 2 with or without anosmia (HH2). Also called: FGFR1-Related GnRH Deficiency (Kallmann Syndrome 2); HYPOGONADOTROPIC HYPOGONADISM 2 WITH OR WITHOUT ANOSMIA, SUSCEPTIBILITY TO; HYPOGONADOTROPIC HYPOGONADISM 2 WITHOUT ANOSMIA, SUSCEPTIBILITY TO; HYPOGONADOTROPIC HYPOGONADISM 2 WITHOUT ANOSMIA. Identifiers: Orphanet 478, MedGen C1563720, MONDO:0007844, OMIM 147950. Disease mechanism: loss of function.
Osteoglophonic dysplasia (OGD). Also called: Osteoglophonic dwarfism. Identifiers: Orphanet 2645, MedGen C0432283, MONDO:0008150, OMIM 166250.
Hartsfield-Bixler-Demyer syndrome (HRTFDS). Also called: FGFR1-Related Hartsfield Syndrome; Hartsfield syndrome; Holoprosencephaly, ectrodactyly, and bilateral cleft lip/palate. Identifiers: Orphanet 2117, MedGen C1845146, MONDO:0014196, OMIM 615465. Disease mechanism: loss of function.
Jackson-Weiss syndrome (JWS). Also called: CRANIOSYNOSTOSIS, MIDFACIAL HYPOPLASIA, AND FOOT ABNORMALITIES. Identifiers: Orphanet 1540, MedGen C0795998, MONDO:0007400, OMIM 123150. Disease mechanism: loss of function.
Encephalocraniocutaneous lipomatosis (ECCL). Identifiers: Orphanet 2396, MedGen C0406612, MONDO:0013074, OMIM 613001.
FGFR1-related disorder. Also called: FGFR1-related condition; FGFR1-related disorders. Identifiers: MedGen CN380097.

Allele frequency attached by ClinVar (database versions not stated): gnomAD 0.00007 and 0.00008; gnomAD exomes 0.00018 and 0.00038; TOPMed 0.00021; ExAC 0.00023.
gnomAD v4.1: 119 of 1,613,346 alleles (0.0074%); highest among the groups gnomAD compares: Admixed American, 0.19%; no homozygotes.

Submissions (6):

Labcorp Genetics (formerly Invitae), Labcorp
Classification: Benign for Pfeiffer syndrome; Hypogonadotropic hypogonadism 2 with or without anosmia. Last evaluated: 2026-01-11. Review status: criteria provided, single submitter. Criteria: Invitae Variant Classification Sherloc (09022015). Collection method: clinical testing. Allele origin: germline.

CeGaT Center for Human Genetics Tuebingen
Classification: Likely benign. Last evaluated: 2025-10-01. Review status: criteria provided, single submitter. Criteria: CeGaT Center For Human Genetics Tuebingen Variant Classification Criteria Version 2. Collection method: clinical testing. Allele origin: germline. Affected: yes. Observed: 1 variant allele.
Comment: FGFR1: BP4, BP7

ARUP Laboratories, Molecular Genetics and Genomics, ARUP Laboratories
Classification: Benign. Last evaluated: 2024-01-18. Review status: criteria provided, single submitter. Criteria: ARUP Molecular Germline Variant Investigation Process 2024. Collection method: clinical testing. Allele origin: germline.

Fulgent Genetics
Classification: Likely benign for Pfeiffer syndrome; Jackson-Weiss syndrome; Hypogonadotropic hypogonadism 2 with or without anosmia; Osteoglophonic dysplasia; Trigonocephaly 1; Encephalocraniocutaneous lipomatosis; Hartsfield-Bixler-Demyer syndrome. Last evaluated: 2021-08-19. Review status: criteria provided, single submitter. Criteria: ACMG Guidelines, 2015. Collection method: clinical testing. Allele origin: unknown.

GeneDx
Classification: Likely benign. Last evaluated: 2021-03-06. Review status: criteria provided, single submitter. Criteria: GeneDx Variant Classification Process June 2021. Collection method: clinical testing. Allele origin: germline. Affected: yes.

PreventionGenetics, part of Exact Sciences
Classification: Likely benign for FGFR1-related condition. Last evaluated: 2020-08-25. Review status: no assertion criteria provided. Collection method: clinical testing. Allele origin: germline. Not counted in ClinVar's aggregate classification.
Comment: This variant is classified as likely benign based on ACMG/AMP sequence variant interpretation guidelines (Richards et al. 2015 PMID: 25741868, with internal and published modifications).

NM_023110.3(FGFR1):c.1888C>T (p.Leu630=)

Gene: FGFR1 (fibroblast growth factor receptor 1; minus strand). Cytogenetic location: 8p11.23.
Variant type: single nucleotide variant.
Coding change: c.1888C>T on transcript NM_023110.3 (MANE Select); coding-DNA position 1888, C replaced by T.
Protein change: p.Leu630=; no amino-acid change (leucine 630 retained).
Molecular consequence: synonymous variant.
Genome position (GRCh38, 1-based): chr8:38,414,868, G>A on the plus strand (C>T on the coding strand, the complement: FGFR1 is on the minus strand). VCF-style: chr8-38414868-G-A. GRCh37 (hg19) VCF-style: chr8-38272386-G-A.
Other names: c.1882C>T, p.Leu628= (NM_001174063.2, NM_001174065.2, NM_001354367.2 and 1 more transcripts); c.1858C>T, p.Leu620= (NM_001174064.2); c.1621C>T, p.Leu541= (NM_001174066.2, NM_023105.3); c.1981C>T, p.Leu661= (NM_001174067.2); c.1609C>T, p.Leu537= (NM_001354368.2); c.1876C>T, p.Leu626= (NM_001354369.2); c.1615C>T, p.Leu539= (NM_001354370.2, NM_023106.3).
Identifiers: ClinVar variation 468285 (VCV000468285.31), dbSNP rs746123129, ClinGen allele CA4718239.
Genomic context (GRCh38, chr8:38,414,868, plus strand): 5'-GGTGAATGTCCCGTGCGAGGCCAAAGTCTGCTATCTTCATCACATTGTCCTCTGTCACCA[G>A]GACATTCCTGGCTGCCAGGTCTCGGTGTATGCACTGAGGAAGGAGGAAGGGAGAGCGGGA-3'
Protein context (NP_075598.2, residues 620-640): IHRDLAARNV[Leu630=]VTEDNVMKIA